The following is an entry in ClinVar:

NM_005751.5(AKAP9):c.4765G>A (p.Asp1589Asn)

Gene: AKAP9 (A-kinase anchoring protein 9; plus strand). Cytogenetic location: 7q21.2.
Variant type: single nucleotide variant.
Coding change: c.4765G>A on transcript NM_005751.5 (MANE Select); coding-DNA position 4765, G replaced by A.
Protein change: p.Asp1589Asn; replaces aspartic acid 1589 with asparagine.
Molecular consequence: missense variant.
Genome position (GRCh38, 1-based): chr7:92,040,746, G>A. VCF-style: chr7-92040746-G-A. GRCh37 (hg19) VCF-style: chr7-91670060-G-A.
Other names: c.4765G>A, p.Asp1589Asn (NM_147185.3); short protein forms D1589N.
Identifiers: ClinVar variation 684791 (VCV000684791.8), dbSNP rs371957004, ClinGen allele CA4336656.

ClinVar aggregate classification (germline): Conflicting classifications of pathogenicity. Review status: criteria provided, conflicting classifications (1 of 4 stars). 4 submissions from 4 submitters: Uncertain significance (3); Likely benign (1). Last evaluated 2026-01-14.

Conditions:
Cardiovascular phenotype. Identifiers: MedGen CN230736.
Long QT syndrome (LQTS). Identifiers: MedGen C0023976, MeSH D008133, MONDO:0002442. Disease mechanism: loss of function. Inheritance: Various modes of inheritance.

Allele frequency attached by ClinVar (database versions not stated): ExAC 0.00001; gnomAD 0.00001; gnomAD exomes 0.00001; ESP Exome Variant Server 0.00008.
gnomAD v4.1: 16 of 1,612,188 alleles (0.00099%); highest among the groups gnomAD compares: South Asian, 0.0022%; no homozygotes.

Submissions (4):

Labcorp Genetics (formerly Invitae), Labcorp
Classification: Uncertain significance for Long QT syndrome. Last evaluated: 2026-01-14. Review status: criteria provided, single submitter. Criteria: Invitae Variant Classification Sherloc (09022015). Collection method: clinical testing. Allele origin: germline.
Comment: This sequence change replaces aspartic acid, which is acidic and polar, with asparagine, which is neutral and polar, at codon 1589 of the AKAP9 protein (p.Asp1589Asn). This variant is present in population databases (rs371957004, gnomAD 0.004%). This missense change has been observed in individual(s) with clinical features of AKAP9-related conditions (PMID: 29247119, 30847666). ClinVar contains an entry for this variant (Variation ID: 684791). An algorithm developed to predict the effect of missense changes on protein structure and function (PolyPhen-2) suggests that this variant is likely to be disruptive. In summary, the available evidence is currently insufficient to determine the role of this variant in disease. Therefore, it has been classified as a Variant of Uncertain Significance.

Ambry Genetics
Classification: Likely benign for Cardiovascular phenotype. Last evaluated: 2025-07-08. Review status: criteria provided, single submitter. Criteria: Ambry Variant Classification Scheme 2023. Collection method: clinical testing. Allele origin: germline.

Blueprint Genetics
Classification: Uncertain significance. Last evaluated: 2020-11-27. Review status: criteria provided, single submitter. Criteria: ACMG Guidelines, 2015. Collection method: clinical testing. Allele origin: germline.

Molecular Diagnostic Laboratory for Inherited Cardiovascular Disease, Montreal Heart Institute
Classification: Uncertain significance. Review status: criteria provided, single submitter. Criteria: ACMG Guidelines, 2015. Collection method: clinical testing. Allele origin: germline. Affected: yes.

Literature cited by the submitters: PubMed 29247119 (cited by Labcorp Genetics (formerly Invitae), Labcorp); PubMed 30847666 (cited by Labcorp Genetics (formerly Invitae), Labcorp).